The following is an entry in ClinVar:

ClinVar aggregate classification (germline): Uncertain significance (1 of 4 stars; one submission).

Submission:

Labcorp Genetics (formerly Invitae), Labcorp
Classification: Uncertain significance. Last evaluated: 2025-10-01. Review status: criteria provided, single submitter. Criteria: Invitae Variant Classification Sherloc (09022015). Collection method: clinical testing. Allele origin: germline.
Comment: This sequence change replaces alanine, which is neutral and non-polar, with glycine, which is neutral and non-polar, at codon 3050 of the HUWE1 protein (p.Ala3050Gly). This variant is not present in population databases (gnomAD no frequency). This variant has not been reported in the literature in individuals affected with HUWE1-related conditions. ClinVar contains an entry for this variant (Variation ID: 3634920). Invitae Evidence Modeling of protein sequence and biophysical properties (such as structural, functional, and spatial information, amino acid conservation, physicochemical variation, residue mobility, and thermodynamic stability) has been performed for this missense variant. However, the output from this modeling did not meet the statistical confidence thresholds required to predict the impact of this variant on HUWE1 protein function. In summary, the available evidence is currently insufficient to determine the role of this variant in disease. Therefore, it has been classified as a Variant of Uncertain Significance.

NM_031407.7(HUWE1):c.9149C>G (p.Ala3050Gly)

Gene: HUWE1 (HECT, UBA and WWE domain containing E3 ubiquitin protein ligase 1; minus strand). Cytogenetic location: Xp11.22.
Variant type: single nucleotide variant.
Coding change: c.9149C>G on transcript NM_031407.7 (MANE Select); coding-DNA position 9149, C replaced by G.
Protein change: p.Ala3050Gly; replaces alanine 3050 with glycine.
Molecular consequence: missense variant.
Genome position (GRCh38, 1-based): chrX:53,551,137, G>C on the plus strand (C>G on the coding strand, the complement: HUWE1 is on the minus strand). VCF-style: chrX-53551137-G-C. GRCh37 (hg19) VCF-style: chrX-53578098-G-C.
Other names: short protein forms A3050G.
Identifiers: ClinVar variation 3634920 (VCV003634920.2).
Genomic context (GRCh38, chrX:53,551,137, plus strand): 5'-CGCAGGTCTGAGGGCAGAGTCTGGATGAAGGTCACAGGGTCCATAGGGGTGTCTGAGCTG[G>C]CATTCTGTGCTAGTTCTCGTCGCTGCTGCTCAGCTCTCTGCTGTGCCAGTACCTATGGAG-3'
Protein context (NP_113584.3, residues 3040-3060): EQQRRELAQN[Ala3050Gly]SSDTPMDPVT